The following is an entry in ClinVar:

ClinVar aggregate classification (germline): Conflicting classifications of pathogenicity. Review status: criteria provided, conflicting classifications (1 of 4 stars). 3 submissions from 3 submitters: Uncertain significance (1); Likely benign (2). Last evaluated 2026-01-22.

Conditions:
Primary ciliary dyskinesia. Also called: Ciliary dyskinesia. Identifiers: Orphanet 244, MedGen C0008780, MONDO:0016575, HP:0012265.

Allele frequency attached by ClinVar (database versions not stated): gnomAD exomes 0.00006 and 0.00017; ExAC 0.00023; TOPMed 0.00064; gnomAD 0.00069 and 0.00072; ESP Exome Variant Server 0.00077; 1000 Genomes Project 0.00140.

Submissions (3):

Labcorp Genetics (formerly Invitae), Labcorp
Classification: Likely benign for Primary ciliary dyskinesia. Last evaluated: 2026-01-22. Review status: criteria provided, single submitter. Criteria: Invitae Variant Classification Sherloc (09022015). Collection method: clinical testing. Allele origin: germline.

GeneDx
Classification: Uncertain significance. Last evaluated: 2022-11-08. Review status: criteria provided, single submitter. Criteria: GeneDx Variant Classification Process June 2021. Collection method: clinical testing. Allele origin: germline. Affected: yes.
Comment: In silico analysis supports that this missense variant does not alter protein structure/function; Has not been previously published as pathogenic or benign to our knowledge

Ambry Genetics
Classification: Likely benign for Primary ciliary dyskinesia. Last evaluated: 2022-04-19. Review status: criteria provided, single submitter. Criteria: Ambry Variant Classification Scheme 2023. Collection method: clinical testing. Allele origin: germline.

NM_001364171.2(ODAD1):c.2056G>A (p.Val686Ile)

Gene: ODAD1 (outer dynein arm docking complex subunit 1; minus strand). Cytogenetic location: 19q13.33.
Variant type: single nucleotide variant.
Coding change: c.2056G>A on transcript NM_001364171.2 (MANE Select); coding-DNA position 2056, G replaced by A.
Protein change: p.Val686Ile; replaces valine 686 with isoleucine.
Molecular consequence: missense variant.
Genome position (GRCh38, 1-based): chr19:48,297,044, C>T on the plus strand (G>A on the coding strand, the complement: ODAD1 is on the minus strand). VCF-style: chr19-48297044-C-T. GRCh37 (hg19) VCF-style: chr19-48800301-C-T.
Other names: c.1945G>A, p.Val649Ile (NM_144577.4); short protein forms V686I, V649I.
Identifiers: ClinVar variation 696109 (VCV000696109.14), dbSNP rs144128773, ClinGen allele CA9548487.